The following is an entry in ClinVar:

NM_014915.3(ANKRD26):c.4753A>G (p.Thr1585Ala)

Gene: ANKRD26 (ankyrin repeat domain 26; minus strand). Cytogenetic location: 10p12.1.
Variant type: single nucleotide variant.
Coding change: c.4753A>G on transcript NM_014915.3 (MANE Select); coding-DNA position 4753, A replaced by G.
Protein change: p.Thr1585Ala; replaces threonine 1585 with alanine.
Molecular consequence: missense variant.
Genome position (GRCh38, 1-based): chr10:27,013,082, T>C on the plus strand (A>G on the coding strand, the complement: ANKRD26 is on the minus strand). VCF-style: chr10-27013082-T-C. GRCh37 (hg19) VCF-style: chr10-27302011-T-C.
Other names: c.4750A>G, p.Thr1584Ala (NM_001256053.2); short protein forms T1584A, T1585A.
Identifiers: ClinVar variation 4859630 (VCV004859630.1).

ClinVar aggregate classification (germline): Uncertain significance (1 of 4 stars; one submission).

Conditions:
Inborn genetic diseases. Identifiers: MedGen C0950123, MeSH D030342.

Submission:

Ambry Genetics
Classification: Uncertain significance for Inborn genetic diseases. Last evaluated: 2026-05-02. Review status: criteria provided, single submitter. Criteria: Ambry Variant Classification Scheme 2023. Collection method: clinical testing. Allele origin: germline.
Comment: The p.T1585A variant (also known as c.4753A>G), located in coding exon 32 of the ANKRD26 gene, results from an A to G substitution at nucleotide position 4753. The threonine at codon 1585 is replaced by alanine, an amino acid with similar properties. This amino acid position is conserved. In addition, this alteration is predicted to be tolerated by in silico analysis. Based on the available evidence, the clinical significance of this variant remains unclear.